The following is an entry in ClinVar:

ClinVar aggregate classification (germline): Benign (0 of 4 stars; one submission).

Conditions:
FSIP2-related disorder. Also called: FSIP2-related condition.

Allele frequency attached by ClinVar (database versions not stated): 1000 Genomes Project 30x 0.95612; 1000 Genomes Project 0.95667; TOPMed 0.96847; gnomAD 0.97047; ExAC 0.98419; gnomAD exomes 0.99175.
gnomAD v4.1: 1,512,595 of 1,528,640 alleles (99%); highest among the groups gnomAD compares: Non-Finnish European, 100%; 748,770 homozygotes.

Submission:

PreventionGenetics, part of Exact Sciences
Classification: Benign for FSIP2-related condition. Last evaluated: 2019-08-09. Review status: no assertion criteria provided. Collection method: clinical testing. Allele origin: germline.
Comment: This variant is classified as benign based on ACMG/AMP sequence variant interpretation guidelines (Richards et al. 2015 PMID: 25741868, with internal and published modifications).

NM_173651.4(FSIP2):c.3863G>A (p.Arg1288Gln)

Genes: FSIP2 (fibrous sheath interacting protein 2; plus strand), FSIP2-AS1 (FSIP2 antisense RNA 1; minus strand). Cytogenetic location: 2q32.1.
Variant type: single nucleotide variant.
Coding change: c.3863G>A on transcript NM_173651.4 (MANE Select); coding-DNA position 3863, G replaced by A.
Protein change: p.Arg1288Gln; replaces arginine 1288 with glutamine.
Molecular consequence: missense variant.
Genome position (GRCh38, 1-based): chr2:185,790,999, G>A. VCF-style: chr2-185790999-G-A. GRCh37 (hg19) VCF-style: chr2-186655726-G-A.
Other names: short protein forms R1288Q.
Identifiers: ClinVar variation 3059504 (VCV003059504.2), dbSNP rs10931199, ClinGen allele CA2016628.
Genomic context (GRCh38, chr2:185,790,999, plus strand): 5'-TTAAAAGACTGAAGTCATTTATTTGTCCAAAATTGCATATGGGCTTCAAATCTTCATTAC[G>A]ATCTCAACTTAGTAAGTACACAGCTAAAATAGTAAACATTGTTTTATGTGCTATCCAGAA-3'
Protein context (NP_775922.3, residues 1278-1298): KLHMGFKSSL[Arg1288Gln]SQLSKYTAKI